The following is an entry in ClinVar:

NM_000432.4(MYL2):c.119G>A (p.Arg40Lys)

Gene: MYL2 (myosin light chain 2; minus strand). Cytogenetic location: 12q24.11.
Variant type: single nucleotide variant.
Coding change: c.119G>A on transcript NM_000432.4 (MANE Select); coding-DNA position 119, G replaced by A.
Protein change: p.Arg40Lys; replaces arginine 40 with lysine.
Molecular consequence: missense variant.
Genome position (GRCh38, 1-based): chr12:110,915,765, C>T on the plus strand (G>A on the coding strand, the complement: MYL2 is on the minus strand). VCF-style: chr12-110915765-C-T. GRCh37 (hg19) VCF-style: chr12-111353569-C-T.
Other names: p.R40K:AGG>AAG; short protein forms R40K.
Identifiers: ClinVar variation 164481 (VCV000164481.25), dbSNP rs727503299, ClinGen allele CA009847.
Genomic context (GRCh38, chr12:110,915,765, plus strand): 5'-GGTGACATACCAAGGGCAGCAAAGGTGTCTCTCAGATCGTTCTTGTCAATGAAGCCATCC[C>T]TGTTCTGGTCCATGATAGTGAAGGCCTGTGGAAGGGAAGTGATTGGCAGCTCAGCCTGGG-3'
Protein context (NP_000423.2, residues 30-50): KEAFTIMDQN[Arg40Lys]DGFIDKNDLR

ClinVar aggregate classification (germline): Conflicting classifications of pathogenicity. Review status: criteria provided, conflicting classifications (1 of 4 stars). 9 submissions from 9 submitters: Pathogenic (1); Likely pathogenic (1); Uncertain significance (7). Last evaluated 2026-01-08.

Conditions:
Cardiovascular phenotype. Identifiers: MedGen CN230736.
Hypertrophic cardiomyopathy 10. Also called: CARDIOMYOPATHY, HYPERTROPHIC, MID-LEFT VENTRICULAR CHAMBER TYPE, 2; MYL2-Related Familial Hypertrophic Cardiomyopathy. Identifiers: MedGen C1834460, MONDO:0012112, OMIM 608758.
Hypertrophic cardiomyopathy. Also called: HYPERTROPHIC MYOCARDIOPATHY. Identifiers: Orphanet 217569, MedGen C0007194, MeSH D002312, MONDO:0005045, HP:0001639.

Submissions (9):

Labcorp Genetics (formerly Invitae), Labcorp
Classification: Pathogenic for Hypertrophic cardiomyopathy 10. Last evaluated: 2026-01-08. Review status: criteria provided, single submitter. Criteria: Invitae Variant Classification Sherloc (09022015). Collection method: clinical testing. Allele origin: germline.
Comment: This sequence change replaces arginine, which is basic and polar, with lysine, which is basic and polar, at codon 40 of the MYL2 protein (p.Arg40Lys). This variant is not present in population databases (gnomAD no frequency). This missense change has been observed in individual(s) with hypertrophic cardiomyopathy (PMID: 24111713, 27532257; internal data). It has also been observed to segregate with disease in related individuals. ClinVar contains an entry for this variant (Variation ID: 164481). An algorithm developed to predict the effect of missense changes on protein structure and function (PolyPhen-2) suggests that this variant is likely to be tolerated. For these reasons, this variant has been classified as Pathogenic.

Revvity Omics, Revvity
Classification: Uncertain significance. Last evaluated: 2025-05-23. Review status: criteria provided, single submitter. Criteria: ACMG Guidelines, 2015. Collection method: clinical testing. Allele origin: germline.

Molecular Diagnostic Laboratory for Inherited Cardiovascular Disease, Montreal Heart Institute
Classification: Likely pathogenic for Cardiovascular phenotype. Last evaluated: 2024-04-23. Review status: criteria provided, single submitter. Criteria: ACMG Guidelines, 2015. Collection method: clinical testing. Allele origin: germline. Affected: yes.
Comment: PM2;PP1_mod;PS4_supp;PP2

GeneDx
Classification: Uncertain significance. Last evaluated: 2022-05-19. Review status: criteria provided, single submitter. Criteria: GeneDx Variant Classification Process June 2021. Collection method: clinical testing. Allele origin: germline. Affected: yes.
Comment: Not observed at significant frequency in large population cohorts (gnomAD); In silico analysis supports that this missense variant has a deleterious effect on protein structure/function; This variant is associated with the following publications: (PMID: 25611685, 24111713, 27532257)

Blueprint Genetics
Classification: Uncertain significance. Last evaluated: 2022-01-10. Review status: criteria provided, single submitter. Criteria: ACMG Guidelines, 2015. Collection method: clinical testing. Allele origin: germline.

Ambry Genetics
Classification: Uncertain significance for Cardiovascular phenotype. Last evaluated: 2021-08-18. Review status: criteria provided, single submitter. Criteria: Ambry Variant Classification Scheme 2023. Collection method: clinical testing. Allele origin: germline.
Comment: The p.R40K variant (also known as c.119G>A), located in coding exon 3 of the MYL2 gene, results from a G to A substitution at nucleotide position 119. The arginine at codon 40 is replaced by lysine, an amino acid with highly similar properties. This variant has been reported in individuals with hypertrophic cardiomyopathy (HCM) and in HCM genetic testing cohorts; however, clinical details have been limited (Wang J et al. Eur J Heart Fail, 2014 Sep;16:950-7; Berge KE et al. Clin Genet, 2014 Oct;86:355-60; Walsh R et al. Genet Med, 2017 02;19:192-203). This amino acid position is highly conserved in available vertebrate species. In addition, the in silico prediction for this alteration is inconclusive. Since supporting evidence is limited at this time, the clinical significance of this alteration remains unclear.

Fulgent Genetics
Classification: Uncertain significance for Hypertrophic cardiomyopathy 10. Last evaluated: 2018-10-31. Review status: criteria provided, single submitter. Criteria: ACMG Guidelines, 2015. Collection method: clinical testing. Allele origin: unknown.

Laboratory for Molecular Medicine, Mass General Brigham Personalized Medicine
Classification: Uncertain significance. Last evaluated: 2016-05-23. Review status: criteria provided, single submitter. Criteria: LMM Criteria. Collection method: clinical testing. Allele origin: germline. Observed: 4 variant alleles.
Comment: It has not been identified in la rge population studies. Computational prediction tools and conservation analysis do not provide strong support for or against an impact to the protein. In summa ry, the clinical significance of the p.Arg40Lys variant is uncertain.

Genetics and Genomics Program, Sidra Medicine
Classification: Uncertain significance for Hypertrophic cardiomyopathy. Review status: criteria provided, single submitter. Criteria: ACMG Guidelines, 2015. Collection method: research. Allele origin: unknown. Affected: yes. Observed: 1 variant allele.

Literature cited by the submitters: PubMed 24111713 (cited by 3 submitters); PubMed 27532257 (cited by Labcorp Genetics (formerly Invitae), Labcorp and Ambry Genetics); PubMed 25132132 (cited by Ambry Genetics).